The following is an entry in ClinVar:

ClinVar aggregate classification (germline): Uncertain significance (1 of 4 stars; one submission).

Conditions:
Common craniosynostosis syndromes.

Submission:

Genetics Laboratory, Great Ormond Street Hospital NHS Foundation Trust, North Thames Genomic Laboratory Hub
Classification: Uncertain significance for Common craniosynostosis syndromes. Last evaluated: 2026-06-12. Review status: criteria provided, single submitter. Criteria: ACGS Best Practice Guidelines for Variant Classification in Rare Disease 2024 v1.2. Collection method: clinical testing. Allele origin: germline. Affected: yes.
Comment: PS4_supporting, PM2_moderate, PP3_supporting, PM5_supporting

NM_000474.4(TWIST1):c.467T>C (p.Ile156Thr)

Genes: TWIST1 (twist family bHLH transcription factor 1; minus strand), LOC129998021 (ATAC-STARR-seq lymphoblastoid active region 25682; plus strand). Cytogenetic location: 7p21.1.
Variant type: single nucleotide variant.
Coding change: c.467T>C on transcript NM_000474.4 (MANE Select); coding-DNA position 467, T replaced by C.
Protein change: p.Ile156Thr; replaces isoleucine 156 with threonine.
Molecular consequence: missense variant. On other transcripts: non-coding transcript variant (1).
Genome position (GRCh38, 1-based): chr7:19,116,855, A>G on the plus strand (T>C on the coding strand, the complement: TWIST1 is on the minus strand). VCF-style: chr7-19116855-A-G. GRCh37 (hg19) VCF-style: chr7-19156478-A-G.
Other names: short protein forms I156T.
Identifiers: ClinVar variation 4857013 (VCV004857013.2).
Genomic context (GRCh38, chr7:19,116,855, plus strand): 5'-CTGCAGCTTGCCATCTTGGAGTCCAGCTCGTCGCTCTGGAGGACCTGGTAGAGGAAGTCG[A>G]TGTACCTGGCCGCCAGCTTGAGGGTCTGAATCTTGCTCAGCTTGTCCGAGGGCAGCGTGG-3'
Protein context (NP_000465.1, residues 146-166): IQTLKLAARY[Ile156Thr]DFLYQVLQSD